The following is an entry in ClinVar:

NM_198253.3(TERT):c.838G>A (p.Glu280Lys)

Gene: TERT (telomerase reverse transcriptase; minus strand). Cytogenetic location: 5p15.33.
Variant type: single nucleotide variant.
Coding change: c.838G>A on transcript NM_198253.3 (MANE Select); coding-DNA position 838, G replaced by A.
Protein change: p.Glu280Lys; replaces glutamic acid 280 with lysine.
Molecular consequence: missense variant. On other transcripts: non-coding transcript variant (2).
Genome position (GRCh38, 1-based): chr5:1,294,048, C>T on the plus strand (G>A on the coding strand, the complement: TERT is on the minus strand). VCF-style: chr5-1294048-C-T. GRCh37 (hg19) VCF-style: chr5-1294163-C-T.
Other names: c.838G>A, p.Glu280Lys (NM_001193376.3); short protein forms E280K.
Identifiers: ClinVar variation 471904 (VCV000471904.28), dbSNP rs199701877, ClinGen allele CA3184904.

ClinVar aggregate classification (germline): Conflicting classifications of pathogenicity. Review status: criteria provided, conflicting classifications (1 of 4 stars). 13 submissions from 12 submitters: Uncertain significance (1); Benign (2); Likely benign (8). 2 of the submissions do not count toward it. Last evaluated 2026-04-06.

Conditions:
Dyskeratosis congenita, autosomal dominant 2. Identifiers: MedGen C3151443, MONDO:0013521, OMIM 613989.
Idiopathic Pulmonary Fibrosis. Also called: Idiopathic fibrosing alveolitis, chronic form; idiopathic fibrosing alveolitis. Identifiers: Orphanet 2032, MedGen C1800706, MeSH D054990, MONDO:0800504.
Melanoma, cutaneous malignant, susceptibility to, 9. Also called: Cutaneous malignant melanoma 9. Identifiers: Orphanet 618, MedGen C3554574, MONDO:0014056, OMIM 615134.
Dyskeratosis congenita. Identifiers: Orphanet 1775, MedGen C0265965, MONDO:0015780.
Pulmonary fibrosis and/or bone marrow failure, Telomere-related, 1. Also called: PULMONARY FIBROSIS AND/OR BONE MARROW FAILURE SYNDROME, TELOMERE-RELATED, 1. Identifiers: Orphanet 88, MedGen C3553617, MONDO:0013878, OMIM 614742.
Acute myeloid leukemia (AML). Also called: Leukemia, acute myeloid, somatic; Leukemia, acute myelogenous, somatic; Acute myeloid leukemia, adult; AML adult; Acute non-lymphocytic leukemia; Acute granulocytic leukemia. Identifiers: Orphanet 519, MedGen C0023467, MeSH D015470, MONDO:0018874, OMIM 601626, HP:0004808. Disease mechanism: Constitutively activated FLT3.
Interstitial lung disease 2 (ILD2). Also called: Familial idiopathic pulmonary fibrosis; FIBROCYSTIC PULMONARY DYSPLASIA; FIBROSING ALVEOLITIS, CRYPTOGENIC. Identifiers: Orphanet 2032, Orphanet 79126, MedGen C5561926, MONDO:0800497, OMIM 178500, MONDO:0800029.

Allele frequency attached by ClinVar (database versions not stated): gnomAD exomes 0.00012 and 0.00028; 1000 Genomes Project 30x 0.00016; gnomAD 0.00018 and 0.00021; 1000 Genomes Project 0.00020; TOPMed 0.00030; ExAC 0.00049.
gnomAD v4.1: 209 of 1,592,554 alleles (0.013%); highest among the groups gnomAD compares: East Asian, 0.29%; 1 homozygote.

Submissions (13):

Dasa
Classification: Likely benign. Last evaluated: 2026-04-06. Review status: criteria provided, single submitter. Criteria: DASA Assertion Criteria. Collection method: clinical testing. Allele origin: germline.
Comment: NM_198253.3(TERT):c.838G>A (p.Glu280Lys) is a missense variant that results in the substitution of glutamic acid with lysine. Population frequency is inconsistent with a disease-causing role for this variant, and observations in unaffected individuals support a benign interpretation. Therefore, based on the currently available evidence, this variant is classified as likely benign.

Labcorp Genetics (formerly Invitae), Labcorp
Classification: Likely benign for Dyskeratosis congenita, autosomal dominant 2; Idiopathic Pulmonary Fibrosis. Last evaluated: 2026-01-26. Review status: criteria provided, single submitter. Criteria: Invitae Variant Classification Sherloc (09022015). Collection method: clinical testing. Allele origin: germline.

KCCC/NGS Laboratory, Kuwait Cancer Control Center
Classification: Benign for Melanoma, cutaneous malignant, susceptibility to, 9. Last evaluated: 2025-02-01. Review status: criteria provided, single submitter. Criteria: ACMG Guidelines, 2015. Collection method: clinical testing. Allele origin: germline. Affected: no.

Genomic Medicine Center of Excellence, King Faisal Specialist Hospital and Research Centre
Classification: Likely benign for Pulmonary fibrosis and/or bone marrow failure, Telomere-related, 1. Last evaluated: 2024-09-22. Review status: criteria provided, single submitter. Criteria: ACMG Guidelines, 2015. Collection method: clinical testing. Allele origin: germline.

Ambry Genetics
Classification: Benign for Dyskeratosis congenita. Last evaluated: 2024-08-20. Review status: criteria provided, single submitter. Criteria: Ambry Variant Classification Scheme 2023. Collection method: clinical testing. Allele origin: germline.

Blueprint Genetics
Classification: Likely benign. Last evaluated: 2024-03-22. Review status: criteria provided, single submitter. Criteria: ACMG Guidelines, 2015. Collection method: clinical testing. Allele origin: germline.

KCCC/NGS Laboratory, Kuwait Cancer Control Center
Classification: Likely benign for Acute myeloid leukemia. Last evaluated: 2023-07-07. Review status: criteria provided, single submitter. Criteria: ACMG Guidelines, 2015. Collection method: clinical testing. Allele origin: germline. Affected: yes.

Sema4
Classification: Likely benign for Dyskeratosis congenita. Last evaluated: 2021-12-15. Review status: criteria provided, single submitter. Criteria: Sema4 Curation Guidelines. Collection method: curation. Allele origin: germline.

GeneDx
Classification: Likely benign. Last evaluated: 2021-01-15. Review status: criteria provided, single submitter. Criteria: GeneDx Variant Classification Process June 2021. Collection method: clinical testing. Allele origin: germline. Affected: yes.
Comment: Reported in an individual with DC and a positive family history, and in another individual with reported telomere disease in the published literature (Yamaguchi et al., 2015; Kapuria et al., 2019), however, additional clinical and segregation information was not included; In silico analysis, which includes protein predictors and evolutionary conservation, supports that this variant does not alter protein structure/function; Observed in 0.0276% (67/243010 alleles) in large population cohorts (Lek et al., 2016); This variant is associated with the following publications: (PMID: 32150348, 30523342, 30791107, 26329388)

Genetic Services Laboratory, University of Chicago
Classification: Uncertain significance. Last evaluated: 2019-09-19. Review status: criteria provided, single submitter. Criteria: ACMG Guidelines, 2015. Collection method: clinical testing. Allele origin: germline. Affected: no.

Mendelics
Classification: Likely benign for Interstitial lung disease 2. Last evaluated: 2019-05-28. Review status: criteria provided, single submitter. Criteria: Mendelics Assertion Criteria 2017. Collection method: clinical testing. Allele origin: unknown.

Diagnostic Laboratory, Department of Genetics, University Medical Center Groningen
Classification: Likely benign. Review status: no assertion criteria provided. Collection method: clinical testing. Allele origin: germline. Affected: yes. Study: VKGL Data-share Consensus. Not counted in ClinVar's aggregate classification.

Genome Diagnostics Laboratory, Amsterdam University Medical Center
Classification: Likely benign. Review status: no assertion criteria provided. Collection method: clinical testing. Allele origin: germline. Affected: yes. Study: VKGL Data-share Consensus. Not counted in ClinVar's aggregate classification.